The following is an entry in ClinVar:

NM_015047.3(EMC1):c.1814A>G (p.Asn605Ser)

Genes: EMC1 (ER membrane protein complex subunit 1; minus strand), EMC1-AS1 (EMC1 antisense RNA 1; plus strand). Cytogenetic location: 1p36.13.
Variant type: single nucleotide variant.
Coding change: c.1814A>G on transcript NM_015047.3 (MANE Select); coding-DNA position 1814, A replaced by G.
Protein change: p.Asn605Ser; replaces asparagine 605 with serine.
Molecular consequence: missense variant.
Genome position (GRCh38, 1-based): chr1:19,231,391, T>C on the plus strand (A>G on the coding strand, the complement: EMC1 is on the minus strand). VCF-style: chr1-19231391-T-C. GRCh37 (hg19) VCF-style: chr1-19557885-T-C.
Other names: c.1811A>G, p.Asn604Ser (NM_001271427.2, NM_001271428.2); c.1748A>G, p.Asn583Ser (NM_001271429.2); c.1823A>G, p.Asn608Ser (NM_001375820.1); c.1820A>G, p.Asn607Ser (NM_001375821.1); short protein forms N583S, N605S, N607S, N604S, N608S.
Identifiers: ClinVar variation 2870355 (VCV002870355.3), dbSNP rs1252448672, ClinGen allele CA338759863.

ClinVar aggregate classification (germline): Uncertain significance (1 of 4 stars; one submission).

Allele frequency attached by ClinVar (database versions not stated): gnomAD exomes below 0.00001.
gnomAD v4.1: 3 of 1,612,460 alleles (0.00019%); highest among the groups gnomAD compares: South Asian, 0.0022%; no homozygotes.

Submission:

Labcorp Genetics (formerly Invitae), Labcorp
Classification: Uncertain significance. Last evaluated: 2023-10-17. Review status: criteria provided, single submitter. Criteria: Invitae Variant Classification Sherloc (09022015). Collection method: clinical testing. Allele origin: germline.
Comment: This sequence change replaces asparagine, which is neutral and polar, with serine, which is neutral and polar, at codon 605 of the EMC1 protein (p.Asn605Ser). This variant is present in population databases (no rsID available, gnomAD 0.003%). This variant has not been reported in the literature in individuals affected with EMC1-related conditions. Advanced modeling of protein sequence and biophysical properties (such as structural, functional, and spatial information, amino acid conservation, physicochemical variation, residue mobility, and thermodynamic stability) performed at Invitae indicates that this missense variant is expected to disrupt EMC1 protein function. In summary, the available evidence is currently insufficient to determine the role of this variant in disease. Therefore, it has been classified as a Variant of Uncertain Significance.